The following is an entry in ClinVar:

ClinVar aggregate classification (germline): Likely benign (1 of 4 stars; one submission).

Submission:

CeGaT Center for Human Genetics Tuebingen
Classification: Likely benign. Last evaluated: 2024-11-01. Review status: criteria provided, single submitter. Criteria: CeGaT Center For Human Genetics Tuebingen Variant Classification Criteria Version 2. Collection method: clinical testing. Allele origin: germline. Affected: yes. Observed: 1 variant allele.
Comment: ADGRV1: PM2:Supporting, BP4, BP7

NM_032119.4(ADGRV1):c.12516C>G (p.Thr4172=)

Gene: ADGRV1 (adhesion G protein-coupled receptor V1; plus strand). Cytogenetic location: 5q14.3.
Variant type: single nucleotide variant.
Coding change: c.12516C>G on transcript NM_032119.4 (MANE Select); coding-DNA position 12516, C replaced by G.
Protein change: p.Thr4172=; no amino-acid change (threonine 4172 retained).
Molecular consequence: synonymous variant. On other transcripts: non-coding transcript variant (1).
Genome position (GRCh38, 1-based): chr5:90,776,565, C>G. VCF-style: chr5-90776565-C-G. GRCh37 (hg19) VCF-style: chr5-90072382-C-G.
Identifiers: ClinVar variation 3389249 (VCV003389249.14).